The following is an entry in ClinVar:

ClinVar aggregate classification (germline): Uncertain significance. Review status: criteria provided, multiple submitters, no conflicts (2 of 4 stars). 4 submissions from 4 submitters: Uncertain significance (4). Last evaluated 2025-07-28.

Conditions:
Ataxia-telangiectasia syndrome (AT). Also called: ATAXIA-TELANGIECTASIA, COMPLEMENTATION GROUP A; ATAXIA-TELANGIECTASIA, FRESNO VARIANT; Ataxia-telangiectasia, complementation group D; AT, COMPLEMENTATION GROUP C; Cerebello-oculocutaneous telangiectasia; Immunodeficiency with ataxia telangiectasia. Identifiers: Orphanet 100, MedGen C0004135, MONDO:0008840, OMIM 208900.
Familial cancer of breast. Also called: BREAST CANCER, FAMILIAL; Hereditary breast cancer; hereditary breast carcinoma. Identifiers: Orphanet 227535, MedGen C0346153, MONDO:0016419, OMIM 114480. Disease mechanism: loss of function.
Hereditary cancer-predisposing syndrome. Also called: Hereditary neoplastic syndrome; Neoplastic Syndromes, Hereditary; Tumor predisposition; Hereditary Cancer Syndrome. Identifiers: Orphanet 140162, MedGen C0027672, MeSH D009386, MONDO:0015356.

Submissions (4):

Labcorp Genetics (formerly Invitae), Labcorp
Classification: Uncertain significance for Ataxia-telangiectasia syndrome. Last evaluated: 2025-07-28. Review status: criteria provided, single submitter. Criteria: Invitae Variant Classification Sherloc (09022015). Collection method: clinical testing. Allele origin: germline.
Comment: This sequence change replaces leucine, which is neutral and non-polar, with valine, which is neutral and non-polar, at codon 1764 of the ATM protein (p.Leu1764Val). This variant is not present in population databases (gnomAD no frequency). This variant has not been reported in the literature in individuals affected with ATM-related conditions. ClinVar contains an entry for this variant (Variation ID: 1044586). Invitae Evidence Modeling of protein sequence and biophysical properties (such as structural, functional, and spatial information, amino acid conservation, physicochemical variation, residue mobility, and thermodynamic stability) indicates that this missense variant is not expected to disrupt ATM protein function with a negative predictive value of 95%. In summary, the available evidence is currently insufficient to determine the role of this variant in disease. Therefore, it has been classified as a Variant of Uncertain Significance.

Ambry Genetics
Classification: Uncertain significance for Hereditary cancer-predisposing syndrome. Last evaluated: 2025-04-21. Review status: criteria provided, single submitter. Criteria: Ambry Variant Classification Scheme 2023. Collection method: clinical testing. Allele origin: germline.
Comment: The p.L1764V variant (also known as c.5290C>G), located in coding exon 34 of the ATM gene, results from a C to G substitution at nucleotide position 5290. The leucine at codon 1764 is replaced by valine, an amino acid with highly similar properties. This amino acid position is highly conserved in available vertebrate species. In addition, the in silico prediction for this alteration is inconclusive. Based on the available evidence, the clinical significance of this variant remains unclear.

Baylor Genetics
Classification: Uncertain significance for Familial cancer of breast. Last evaluated: 2023-12-26. Review status: criteria provided, single submitter. Criteria: ACMG Guidelines, 2015. Collection method: clinical testing. Allele origin: unknown.

Color Diagnostics, LLC DBA Color Health
Classification: Uncertain significance for Hereditary cancer-predisposing syndrome. Last evaluated: 2020-06-08. Review status: criteria provided, single submitter. Criteria: ACMG Guidelines, 2015. Collection method: clinical testing. Allele origin: germline.
Comment: This missense variant replaces leucine with valine at codon 1764 of the ATM protein. Computational prediction suggests that this variant may not impact protein structure and function (internally defined REVEL score threshold <= 0.5, PMID: 27666373). To our knowledge, functional studies have not been reported for this variant. This variant has not been reported in individuals affected with hereditary cancer in the literature. This variant has not been identified in the general population by the Genome Aggregation Database (gnomAD). The available evidence is insufficient to determine the role of this variant in disease conclusively. Therefore, this variant is classified as a Variant of Uncertain Significance.

NM_000051.4(ATM):c.5290C>G (p.Leu1764Val)

Gene: ATM (ATM serine/threonine kinase; plus strand). Cytogenetic location: 11q22.3.
Variant type: single nucleotide variant.
Coding change: c.5290C>G on transcript NM_000051.4 (MANE Select); coding-DNA position 5290, C replaced by G.
Protein change: p.Leu1764Val; replaces leucine 1764 with valine.
Molecular consequence: missense variant.
Genome position (GRCh38, 1-based): chr11:108,301,760, C>G. VCF-style: chr11-108301760-C-G. GRCh37 (hg19) VCF-style: chr11-108172487-C-G.
Other names: c.5290C>G, p.Leu1764Val (NM_001351834.2); short protein forms L1764V.
Identifiers: ClinVar variation 1044586 (VCV001044586.14), dbSNP rs2083444552, ClinGen allele CA382542694.